The following is an entry in ClinVar:

NM_002506.3(NGF):c.12G>C (p.Leu4Phe)

Genes: NGF (nerve growth factor; minus strand), NGF-AS1 (NGF antisense RNA 1; plus strand). Cytogenetic location: 1p13.2.
Variant type: single nucleotide variant.
Coding change: c.12G>C on transcript NM_002506.3 (MANE Select); coding-DNA position 12, G replaced by C.
Protein change: p.Leu4Phe; replaces leucine 4 with phenylalanine.
Molecular consequence: missense variant.
Genome position (GRCh38, 1-based): chr1:115,286,784, C>G on the plus strand (G>C on the coding strand, the complement: NGF is on the minus strand). VCF-style: chr1-115286784-C-G. GRCh37 (hg19) VCF-style: chr1-115829405-C-G.
Other names: short protein forms L4F.
Identifiers: ClinVar variation 1769373 (VCV001769373.3), dbSNP rs1390717725, ClinGen allele CA341837427.

ClinVar aggregate classification (germline): Uncertain significance. Review status: criteria provided, multiple submitters, no conflicts (2 of 4 stars). 2 submissions from 2 submitters: Uncertain significance (2). Last evaluated 2025-11-07.

Conditions:
Inborn genetic diseases. Identifiers: MedGen C0950123, MeSH D030342.
NGF-related disorder. Also called: NGF-related condition.

Allele frequency attached by ClinVar (database versions not stated): gnomAD exomes below 0.00001; TOPMed below 0.00001.

Submissions (2):

PreventionGenetics, part of Exact Sciences
Classification: Uncertain significance for NGF-related condition. Last evaluated: 2025-11-07. Review status: criteria provided, single submitter. Criteria: ACMG Guidelines, 2015. Collection method: clinical testing. Allele origin: germline.
Comment: The NGF c.12G>C variant is predicted to result in the amino acid substitution p.Leu4Phe. To our knowledge, this variant has not been reported in the literature or in a large population database (gnomAD), indicating this variant is rare. At this time, the clinical significance of this variant is uncertain due to the absence of conclusive functional and genetic evidence.

Ambry Genetics
Classification: Uncertain significance for Inborn genetic diseases. Last evaluated: 2022-04-13. Review status: criteria provided, single submitter. Criteria: Ambry Variant Classification Scheme 2023. Collection method: clinical testing. Allele origin: germline.
Comment: The p.L4F variant (also known as c.12G>C), located in coding exon 1 of the NGF gene, results from a G to C substitution at nucleotide position 12. The leucine at codon 4 is replaced by phenylalanine, an amino acid with highly similar properties. This amino acid position is conserved. In addition, the in silico prediction for this alteration is inconclusive. Since supporting evidence is limited at this time, the clinical significance of this alteration remains unclear.